The following is an entry in ClinVar:

NM_018127.7(ELAC2):c.391A>G (p.Thr131Ala)

Gene: ELAC2 (elaC ribonuclease Z 2; minus strand). Cytogenetic location: 17p12.
Variant type: single nucleotide variant.
Coding change: c.391A>G on transcript NM_018127.7 (MANE Select); coding-DNA position 391, A replaced by G.
Protein change: p.Thr131Ala; replaces threonine 131 with alanine.
Molecular consequence: missense variant.
Genome position (GRCh38, 1-based): chr17:13,015,809, T>C on the plus strand (A>G on the coding strand, the complement: ELAC2 is on the minus strand). VCF-style: chr17-13015809-T-C. GRCh37 (hg19) VCF-style: chr17-12919126-T-C.
Other names: c.391A>G, p.Thr131Ala (NM_001165962.2, NM_173717.2); short protein forms T131A.
Identifiers: ClinVar variation 1436316 (VCV001436316.6), dbSNP rs2143685296, ClinGen allele CA398218239.

ClinVar aggregate classification (germline): Uncertain significance (1 of 4 stars; one submission).

Conditions:
Combined oxidative phosphorylation defect type 17. Also called: Combined oxidative phosphorylation deficiency 17. Identifiers: Orphanet 369913, MedGen C3809526, MONDO:0014190, OMIM 615440.

Submission:

Labcorp Genetics (formerly Invitae), Labcorp
Classification: Uncertain significance for Combined oxidative phosphorylation defect type 17. Last evaluated: 2025-02-20. Review status: criteria provided, single submitter. Criteria: Invitae Variant Classification Sherloc (09022015). Collection method: clinical testing. Allele origin: germline.
Comment: This sequence change replaces threonine, which is neutral and polar, with alanine, which is neutral and non-polar, at codon 131 of the ELAC2 protein (p.Thr131Ala). This variant is not present in population databases (gnomAD no frequency). This variant has not been reported in the literature in individuals affected with ELAC2-related conditions. ClinVar contains an entry for this variant (Variation ID: 1436316). Invitae Evidence Modeling of protein sequence and biophysical properties (such as structural, functional, and spatial information, amino acid conservation, physicochemical variation, residue mobility, and thermodynamic stability) indicates that this missense variant is not expected to disrupt ELAC2 protein function with a negative predictive value of 80%. In summary, the available evidence is currently insufficient to determine the role of this variant in disease. Therefore, it has been classified as a Variant of Uncertain Significance.